The following is an entry in ClinVar:

NM_001005242.3(PKP2):c.1989G>T (p.Gln663His)

Gene: PKP2 (plakophilin 2; minus strand). Cytogenetic location: 12p11.21.
Variant type: single nucleotide variant.
Coding change: c.1989G>T on transcript NM_001005242.3 (MANE Select); coding-DNA position 1989, G replaced by T.
Protein change: p.Gln663His; replaces glutamine 663 with histidine.
Molecular consequence: missense variant.
Genome position (GRCh38, 1-based): chr12:32,821,380, C>A on the plus strand (G>T on the coding strand, the complement: PKP2 is on the minus strand). VCF-style: chr12-32821380-C-A. GRCh37 (hg19) VCF-style: chr12-32974314-C-A.
Other names: c.2121G>T, p.Gln707His (NM_004572.4); short protein forms Q707H, Q663H.
Identifiers: ClinVar variation 424067 (VCV000424067.18), dbSNP rs765884775, ClinGen allele CA032803.

ClinVar aggregate classification (germline): Uncertain significance. Review status: criteria provided, multiple submitters, no conflicts (2 of 4 stars). 4 submissions from 4 submitters: Uncertain significance (4). Last evaluated 2026-01-27.

Conditions:
Cardiovascular phenotype. Identifiers: MedGen CN230736.
Arrhythmogenic right ventricular dysplasia 9 (ARVD9). Also called: Arrhythmogenic Right Ventricular Dysplasia/Cardiomyopathy 9; ARRHYTHMOGENIC RIGHT VENTRICULAR DYSPLASIA, FAMILIAL, 9. Identifiers: MedGen C1836906, MONDO:0012180, OMIM 609040.
Cardiomyopathy (CMYO). Also called: Cardiomyopathies. Identifiers: Orphanet 167848, MedGen C0878544, MONDO:0004994, HP:0001638. Inheritance: Various modes of inheritance.

Allele frequency attached by ClinVar (database versions not stated): gnomAD exomes below 0.00001; ExAC 0.00001; gnomAD 0.00001; TOPMed 0.00001.
gnomAD v4.1: 2 of 1,614,032 alleles (0.00012%); highest among the groups gnomAD compares: Admixed American, 0.0017%; no homozygotes.

Submissions (4):

Labcorp Genetics (formerly Invitae), Labcorp
Classification: Uncertain significance for Arrhythmogenic right ventricular dysplasia 9. Last evaluated: 2026-01-27. Review status: criteria provided, single submitter. Criteria: Invitae Variant Classification Sherloc (09022015). Collection method: clinical testing. Allele origin: germline.
Comment: This sequence change replaces glutamine, which is neutral and polar, with histidine, which is basic and polar, at codon 707 of the PKP2 protein (p.Gln707His). This variant is present in population databases (rs765884775, gnomAD 0.0009%). This variant has not been reported in the literature in individuals affected with PKP2-related conditions. ClinVar contains an entry for this variant (Variation ID: 424067). An algorithm developed to predict the effect of missense changes on protein structure and function (PolyPhen-2) suggests that this variant is likely to be disruptive. In summary, the available evidence is currently insufficient to determine the role of this variant in disease. Therefore, it has been classified as a Variant of Uncertain Significance.

Ambry Genetics
Classification: Uncertain significance for Cardiovascular phenotype. Last evaluated: 2025-07-31. Review status: criteria provided, single submitter. Criteria: Ambry Variant Classification Scheme 2023. Collection method: clinical testing. Allele origin: germline.
Comment: The p.Q707H variant (also known as c.2121G>T), located in coding exon 10 of the PKP2 gene, results from a G to T substitution at nucleotide position 2121. The glutamine at codon 707 is replaced by histidine, an amino acid with highly similar properties. This amino acid position is highly conserved in available vertebrate species. In addition, the in silico prediction for this alteration is inconclusive. Based on the available evidence, the clinical significance of this variant remains unclear.

Color Diagnostics, LLC DBA Color Health
Classification: Uncertain significance for Cardiomyopathy. Last evaluated: 2024-03-06. Review status: criteria provided, single submitter. Criteria: ACMG Guidelines, 2015. Collection method: clinical testing. Allele origin: germline.
Comment: This missense variant replaces glutamine with histidine at codon 707 of the PKP2 protein. Computational prediction suggests that this variant may not impact protein structure and function (internally defined REVEL score threshold <= 0.5, PMID: 27666373). To our knowledge, functional studies have not been reported for this variant. This variant has not been reported in individuals affected with cardiovascular disorders in the literature. This variant has been identified in 1/251414 chromosomes in the general population by the Genome Aggregation Database (gnomAD). The available evidence is insufficient to determine the role of this variant in disease conclusively. Therefore, this variant is classified as a Variant of Uncertain Significance.

GeneDx
Classification: Uncertain significance. Last evaluated: 2022-05-16. Review status: criteria provided, single submitter. Criteria: GeneDx Variant Classification Process June 2021. Collection method: clinical testing. Allele origin: germline. Affected: yes.
Comment: Not observed at significant frequency in large population cohorts (gnomAD); In silico analysis supports that this missense variant has a deleterious effect on protein structure/function; Has not been previously published as pathogenic or benign to our knowledge